The following is an entry in ClinVar:

ClinVar aggregate classification (germline): Conflicting classifications of pathogenicity. Review status: criteria provided, conflicting classifications (1 of 4 stars). 2 submissions from 2 submitters: Uncertain significance (1); Likely benign (1). Last evaluated 2024-09-20.

Conditions:
Intellectual disability-hypotonic facies syndrome, X-linked, 1 (MRXHF1). Also called: CHUDLEY-LOWRY SYNDROME; Chudley syndrome 1; Chudley-Lowry-Hoar syndrome; Carpenter-Waziri syndrome; XLMR-HYPOTONIC FACIES SYNDROME; HOLMES-GANG SYNDROME. Identifiers: Orphanet 73220, Orphanet 93970, Orphanet 93971, Orphanet 93972, Orphanet 93973, Orphanet 93974, Orphanet 93975, MedGen C4759781, MONDO:0010663, OMIM 309580.
Alpha thalassemia-X-linked intellectual disability syndrome (ATRX). Also called: ALPHA-THALASSEMIA/IMPAIRED INTELLECTUAL DEVELOPMENT SYNDROME, X-LINKED; ATR-X syndrome; Alpha thalassemia mental retardation syndrome, nondeletion type, X-linked; XLMR hypotonic face syndrome; ALPHA-THALASSEMIA/MENTAL RETARDATION SYNDROME, X-LINKED; ATR, NONDELETION TYPE. Identifiers: Orphanet 847, MedGen C1845055, MONDO:0010519, OMIM 301040.

Submissions (2):

3billion
Classification: Likely benign for Alpha thalassemia-X-linked intellectual disability syndrome; Intellectual disability-hypotonic facies syndrome, X-linked, 1. Last evaluated: 2024-09-20. Review status: criteria provided, single submitter. Criteria: ACMG Guidelines, 2015. Collection method: clinical testing. Allele origin: germline. Affected: no.
Comment: The hemizygous variant was found in patients with no symptoms related to the gene containing the hemizygous variant.

GeneDx
Classification: Uncertain significance. Last evaluated: 2019-08-29. Review status: criteria provided, single submitter. Criteria: GeneDx Variant Classification Process June 2021. Collection method: clinical testing. Allele origin: germline. Affected: yes.
Comment: Not observed in large population cohorts (Lek et al., 2016); In silico analysis, which includes protein predictors and evolutionary conservation, supports that this variant does not alter protein structure/function; Has not been previously published as pathogenic or benign to our knowledge

NM_000489.6(ATRX):c.7084A>G (p.Met2362Val)

Gene: ATRX (ATRX chromatin remodeler; minus strand). Cytogenetic location: Xq21.1.
Variant type: single nucleotide variant.
Coding change: c.7084A>G on transcript NM_000489.6 (MANE Select); coding-DNA position 7084, A replaced by G.
Protein change: p.Met2362Val; replaces methionine 2362 with valine.
Molecular consequence: missense variant.
Genome position (GRCh38, 1-based): chrX:77,520,904, T>C on the plus strand (A>G on the coding strand, the complement: ATRX is on the minus strand). VCF-style: chrX-77520904-T-C. GRCh37 (hg19) VCF-style: chrX-76776382-T-C.
Other names: c.6970A>G, p.Met2324Val (NM_138270.5); short protein forms M2324V, M2362V.
Identifiers: ClinVar variation 1318633 (VCV001318633.3), dbSNP rs2147738058, ClinGen allele CA413707433.